The following is an entry in ClinVar:

NM_001022.4(RPS19):c.410A>G (p.Gln137Arg)

Genes: RPS19 (ribosomal protein S19; plus strand), RPS19-CD79A (RPS19-CD79A readthrough; plus strand). Cytogenetic location: 19q13.2.
Variant type: single nucleotide variant.
Coding change: c.410A>G on transcript NM_001022.4 (MANE Select); coding-DNA position 410, A replaced by G.
Protein change: p.Gln137Arg; replaces glutamine 137 with arginine.
Molecular consequence: missense variant. On other transcripts: synonymous variant (1).
Genome position (GRCh38, 1-based): chr19:41,869,752, A>G. VCF-style: chr19-41869752-A-G. GRCh37 (hg19) VCF-style: chr19-42373822-A-G.
Other names: c.410A>G, p.Gln137Arg (NM_001321483.2, NM_001321484.2); c.423A>G, p.Thr141= (NM_001321485.2); short protein forms Q137R.
Identifiers: ClinVar variation 656681 (VCV000656681.9), dbSNP rs782608155, ClinGen allele CA9465431.

ClinVar aggregate classification (germline): Uncertain significance (1 of 4 stars; one submission).

Conditions:
Diamond-Blackfan anemia. Also called: Blackfan Diamond syndrome; Aregenerative anemia chronic congenital; Red cell aplasia, pure hereditary; Congenital hypoplastic anemia; Aase syndrome. Identifiers: Orphanet 124, MedGen C1260899, MeSH D029503, MONDO:0015253, HP:0004810.

Allele frequency attached by ClinVar (database versions not stated): gnomAD exomes below 0.00001; ExAC 0.00001; gnomAD 0.00001; TOPMed 0.00001.

Submission:

Labcorp Genetics (formerly Invitae), Labcorp
Classification: Uncertain significance for Diamond-Blackfan anemia. Last evaluated: 2018-09-27. Review status: criteria provided, single submitter. Criteria: Invitae Variant Classification Sherloc (09022015). Collection method: clinical testing. Allele origin: germline.
Comment: This sequence change replaces glutamine with arginine at codon 137 of the RPS19 protein (p.Gln137Arg). The glutamine residue is highly conserved and there is a small physicochemical difference between glutamine and arginine. This variant is present in population databases (rs782608155, ExAC 0.002%). This variant has not been reported in the literature in individuals with RPS19-related disease. Algorithms developed to predict the effect of missense changes on protein structure and function are either unavailable or do not agree on the potential impact of this missense change (SIFT: "Tolerated"; PolyPhen-2: "Possibly Damaging"; Align-GVGD: "Class C0"). In summary, the available evidence is currently insufficient to determine the role of this variant in disease. Therefore, it has been classified as a Variant of Uncertain Significance.